The following is an entry in ClinVar:

ClinVar aggregate classification (germline): Uncertain significance (1 of 4 stars; one submission).

Submission:

Labcorp Genetics (formerly Invitae), Labcorp
Classification: Uncertain significance. Last evaluated: 2022-06-12. Review status: criteria provided, single submitter. Criteria: Invitae Variant Classification Sherloc (09022015). Collection method: clinical testing. Allele origin: germline.
Comment: In summary, the available evidence is currently insufficient to determine the role of this variant in disease. Therefore, it has been classified as a Variant of Uncertain Significance. Algorithms developed to predict the effect of missense changes on protein structure and function are either unavailable or do not agree on the potential impact of this missense change (SIFT: "Deleterious"; PolyPhen-2: "Probably Damaging"; Align-GVGD: "Class C0"). This variant has not been reported in the literature in individuals affected with SCN3A-related conditions. This variant is not present in population databases (gnomAD no frequency). This sequence change replaces aspartic acid, which is acidic and polar, with valine, which is neutral and non-polar, at codon 609 of the SCN3A protein (p.Asp609Val).

NM_006922.4(SCN3A):c.1826A>T (p.Asp609Val)

Gene: SCN3A (sodium voltage-gated channel alpha subunit 3; minus strand). Cytogenetic location: 2q24.3.
Variant type: single nucleotide variant.
Coding change: c.1826A>T on transcript NM_006922.4 (MANE Select); coding-DNA position 1826, A replaced by T.
Protein change: p.Asp609Val; replaces aspartic acid 609 with valine.
Molecular consequence: missense variant.
Genome position (GRCh38, 1-based): chr2:165,140,844, T>A on the plus strand (A>T on the coding strand, the complement: SCN3A is on the minus strand). VCF-style: chr2-165140844-T-A. GRCh37 (hg19) VCF-style: chr2-165997354-T-A.
Other names: c.1826A>T, p.Asp609Val (NM_001081676.2, NM_001081677.2); short protein forms D609V.
Identifiers: ClinVar variation 2005140 (VCV002005140.4), dbSNP rs2468324492, ClinGen allele CA349046632.